The following is an entry in ClinVar:

ClinVar aggregate classification (germline): Likely pathogenic (1 of 4 stars; one submission).

Submission:

GeneDx
Classification: Likely pathogenic. Last evaluated: 2018-10-15. Review status: criteria provided, single submitter. Criteria: GeneDx Variant Classification (06012015). Collection method: clinical testing. Allele origin: germline. Affected: yes.
Comment: The Y57X variant in the ZBTB18 gene has not been reported previously as a pathogenic variant nor as a benign variant, to our knowledge. This variant is predicted to cause loss of normal protein function through protein truncation, as the last 475 amino acids of the protein are lost. The Y57X variant is not observed in large population cohorts (Lek et al., 2016). We interpret Y57X as a likely pathogenic variant.

NM_205768.3(ZBTB18):c.171T>A (p.Tyr57Ter)

Gene: ZBTB18 (zinc finger and BTB domain containing 18; plus strand). Cytogenetic location: 1q44.
Variant type: single nucleotide variant.
Coding change: c.171T>A on transcript NM_205768.3 (MANE Select); coding-DNA position 171, T replaced by A.
Protein change: p.Tyr57Ter; replaces tyrosine 57 with a stop codon.
Molecular consequence: nonsense.
Genome position (GRCh38, 1-based): chr1:244,053,945, T>A. VCF-style: chr1-244053945-T-A. GRCh37 (hg19) VCF-style: chr1-244217247-T-A.
Other names: c.144T>A, p.Tyr48Ter (NM_001278196.2, NM_006352.5); short protein forms Y57*, Y48*.
Identifiers: ClinVar variation 620412 (VCV000620412.1), dbSNP rs1558148865, ClinGen allele CA345672288.